The following is an entry in ClinVar:

NM_032444.4(SLX4):c.2014-3C>T

Gene: SLX4 (SLX4 structure-specific endonuclease subunit; minus strand). Cytogenetic location: 16p13.3.
Variant type: single nucleotide variant.
Coding change: c.2014-3C>T on transcript NM_032444.4 (MANE Select); 3 bases into the intron before coding-DNA position 2014, C replaced by T.
Molecular consequence: intron variant.
Genome position (GRCh38, 1-based): chr16:3,594,602, G>A on the plus strand (C>T on the coding strand, the complement: SLX4 is on the minus strand). VCF-style: chr16-3594602-G-A. GRCh37 (hg19) VCF-style: chr16-3644603-G-A.
Identifiers: ClinVar variation 2046155 (VCV002046155.3), dbSNP rs376615923, ClinGen allele CA7866314.
Genomic context (GRCh38, chr16:3,594,602, plus strand): 5'-TCAGGTGTGGGTTATTGACCATGGCGCCAAAGTCAGCAACCAGCAGCCCGAGGGAGAGCT[G>A]AAGCAGGAGGAGAGGAAGAGCCGTCACCTCCCCACCTCTGCTCTGCTAACTGGGCAGTGG-3'

ClinVar aggregate classification (germline): Conflicting classifications of pathogenicity. Review status: criteria provided, conflicting classifications (1 of 4 stars). 3 submissions from 3 submitters: Uncertain significance (2); Likely benign (1). Last evaluated 2026-01-28.

Conditions:
Fanconi anemia (FA). Also called: Fanconi's anemia. Identifiers: Orphanet 84, MedGen C0015625, MeSH D005199, MONDO:0019391.

Allele frequency attached by ClinVar (database versions not stated): ExAC 0.00002; TOPMed 0.00002; ESP Exome Variant Server 0.00008.
gnomAD v4.1: 50 of 1,613,920 alleles (0.0031%); highest among the groups gnomAD compares: Middle Eastern, 0.033%; no homozygotes.

Submissions (3):

Women's Health and Genetics/Laboratory Corporation of America, LabCorp
Classification: Uncertain significance. Last evaluated: 2026-01-28. Review status: criteria provided, single submitter. Criteria: LabCorp Variant Classification Summary - May 2015. Collection method: clinical testing. Allele origin: germline.
Comment: Variant summary: SLX4 c.2014-3C>T alters a nucleotide located close to a canonical splice site and therefore could affect mRNA splicing, leading to a significantly altered protein sequence. Consensus agreement among computation tools predict no significant impact on normal splicing. However, these predictions have yet to be confirmed by functional studies. The variant allele was found at a frequency of 2.8e-05 in 251096 control chromosomes. The available data on variant occurrences in the general population are insufficient to allow any conclusion about variant significance. To our knowledge, no occurrence of c.2014-3C>T in individuals affected with SLX4-related conditions and no experimental evidence demonstrating its impact on protein function have been reported. ClinVar contains an entry for this variant (Variation ID: 2046155). Based on the evidence outlined above, the variant was classified as uncertain significance.

Blueprint Genetics
Classification: Likely benign. Last evaluated: 2024-04-23. Review status: criteria provided, single submitter. Criteria: ACMG Guidelines, 2015. Collection method: clinical testing. Allele origin: germline.

Labcorp Genetics (formerly Invitae), Labcorp
Classification: Uncertain significance for Fanconi anemia. Last evaluated: 2022-09-26. Review status: criteria provided, single submitter. Criteria: Invitae Variant Classification Sherloc (09022015). Collection method: clinical testing. Allele origin: germline.
Comment: This sequence change falls in intron 9 of the SLX4 gene. It does not directly change the encoded amino acid sequence of the SLX4 protein. It affects a nucleotide within the consensus splice site. This variant is present in population databases (rs376615923, gnomAD 0.01%). This variant has not been reported in the literature in individuals affected with SLX4-related conditions. Variants that disrupt the consensus splice site are a relatively common cause of aberrant splicing (PMID: 17576681, 9536098). Algorithms developed to predict the effect of sequence changes on RNA splicing suggest that this variant is not likely to affect RNA splicing. In summary, the available evidence is currently insufficient to determine the role of this variant in disease. Therefore, it has been classified as a Variant of Uncertain Significance.

Literature cited by the submitters: PubMed 17576681 (cited by Labcorp Genetics (formerly Invitae), Labcorp); PubMed 9536098 (cited by Labcorp Genetics (formerly Invitae), Labcorp).